The following is an entry in ClinVar:

ClinVar aggregate classification (germline): Pathogenic (1 of 4 stars; one submission).

Submission:

GeneDx
Classification: Pathogenic. Last evaluated: 2022-07-19. Review status: criteria provided, single submitter. Criteria: GeneDx Variant Classification Process June 2021. Collection method: clinical testing. Allele origin: germline. Affected: yes.
Comment: Frameshift variant predicted to result in protein truncation or nonsense mediated decay in a gene for which loss-of-function is a known mechanism of disease; Not observed in large population cohorts (gnomAD); Has not been previously published as pathogenic or benign to our knowledge

NM_001368894.2(PAX6):c.734_735del (p.Arg245fs)

Gene: PAX6 (paired box 6; minus strand). Cytogenetic location: 11p13.
Variant type: Microsatellite.
Coding change: c.734_735del on transcript NM_001368894.2 (MANE Select); coding-DNA positions 734 to 735, 2 bases deleted (GA; older notation c.734_735delGA).
Protein change: p.Arg245fs; shifts the reading frame from arginine 245.
Molecular consequence: frameshift variant.
Genome position (GRCh38, 1-based): chr11:31,794,104-31,794,105, TC deleted on the plus strand (GA on the coding strand, the reverse complement: PAX6 is on the minus strand); deleting any 2 consecutive bases within chr11:31,794,104-31,794,109 gives the same sequence; the c. name uses the placement nearest the transcript's 3' end. VCF-style (leftmost placement, unchanged base first): chr11-31794103-TTC-T. GRCh37 (hg19) VCF-style: chr11-31815651-TTC-T.
Other names: c.692_693del, p.Arg231fs (NM_000280.6, NM_001127612.3, NM_001258464.2 and 10 more transcripts); c.734_735del, p.Arg245fs (NM_001258462.3, NM_001258463.2, NM_001310158.2 and 6 more transcripts); c.284_285del, p.Arg95fs (NM_001310160.2, NM_001310161.3, NM_001368899.2 and 11 more transcripts); c.935_936del, p.Arg312fs (NM_001368910.2); c.737_738del, p.Arg246fs (NM_001368911.2); c.809_810del, p.Arg270fs (NM_001368918.2, NM_001368919.2); c.767_768del, p.Arg256fs (NM_001368920.2); c.533_534del, p.Arg178fs (NM_001368921.2, NM_001368922.2, NM_001368923.2 and 4 more transcripts); and 2 more; short protein forms R164fs, R178fs, R231fs, R245fs, R246fs, R256fs, R270fs, R30fs.
Identifiers: ClinVar variation 1697984 (VCV001697984.2), dbSNP rs2134613305, ClinGen allele CA2580615654.
Genomic context (GRCh38, chr11:31,794,103, plus strand): 5'-CTTCAGGTAGATCTATTTTGGCTGCTAGTCTTTCTCGGGCAAACACATCTGGATAATGGG[TTC>T]TCTCAAACTCTGAAAGAGTAAGTTGATTTTCCATATTGTGCCAGAACTACACAAAATATG-3'